The following is an entry in ClinVar:

ClinVar aggregate classification (germline): Uncertain significance (1 of 4 stars; one submission).

Conditions:
Cardiovascular phenotype. Identifiers: MedGen CN230736.

Submission:

Ambry Genetics
Classification: Uncertain significance for Cardiovascular phenotype. Last evaluated: 2025-04-24. Review status: criteria provided, single submitter. Criteria: Ambry Variant Classification Scheme 2023. Collection method: clinical testing. Allele origin: germline.
Comment: The p.L949W variant (also known as c.2846T>G), located in coding exon 19 of the ABCA1 gene, results from a T to G substitution at nucleotide position 2846. The leucine at codon 949 is replaced by tryptophan, an amino acid with similar properties. This amino acid position is conserved. In addition, this alteration is predicted to be deleterious by in silico analysis. Based on the available evidence, the clinical significance of this variant remains unclear.

NM_005502.4(ABCA1):c.2846T>G (p.Leu949Trp)

Gene: ABCA1 (ATP binding cassette subfamily A member 1; minus strand). Cytogenetic location: 9q31.1.
Variant type: single nucleotide variant.
Coding change: c.2846T>G on transcript NM_005502.4 (MANE Select); coding-DNA position 2846, T replaced by G.
Protein change: p.Leu949Trp; replaces leucine 949 with tryptophan.
Molecular consequence: missense variant.
Genome position (GRCh38, 1-based): chr9:104,821,489, A>C on the plus strand (T>G on the coding strand, the complement: ABCA1 is on the minus strand). VCF-style: chr9-104821489-A-C. GRCh37 (hg19) VCF-style: chr9-107583770-A-C.
Other names: short protein forms L949W.
Identifiers: ClinVar variation 3935527 (VCV003935527.1).